The following is an entry in ClinVar:

ClinVar aggregate classification (germline): Uncertain significance. Review status: criteria provided, multiple submitters, no conflicts (2 of 4 stars). 3 submissions from 3 submitters: Uncertain significance (2). 1 of the submissions does not count toward it. Last evaluated 2025-12-17.

Conditions:
Finnish congenital nephrotic syndrome (NPHS1). Also called: NEPHROTIC SYNDROME, TYPE 1. Identifiers: Orphanet 839, MedGen C0403399, MONDO:0009732, OMIM 256300.

Allele frequency attached by ClinVar (database versions not stated): gnomAD exomes below 0.00001; gnomAD 0.00001; TOPMed 0.00001.
gnomAD v4.1: 2 of 1,613,932 alleles (0.00012%); highest among the groups gnomAD compares: African/African-American, 0.0027%; no homozygotes.

Submissions (3):

Greenwood Genetic Center Diagnostic Laboratories, Greenwood Genetic Center
Classification: Uncertain significance. Last evaluated: 2025-12-17. Review status: criteria provided, single submitter. Criteria: ACMG Guidelines, 2015. Collection method: clinical testing. Allele origin: germline. Affected: yes.
Comment: PM2

Athena Diagnostics
Classification: Uncertain significance. Last evaluated: 2018-01-15. Review status: criteria provided, single submitter. Criteria: Athena Diagnostics Criteria. Collection method: clinical testing. Allele origin: germline.

Natera, Inc.
Classification: Uncertain significance for Finnish congenital nephrotic syndrome. Last evaluated: 2020-02-21. Review status: no assertion criteria provided. Collection method: clinical testing. Allele origin: germline. Not counted in ClinVar's aggregate classification.

NM_004646.4(NPHS1):c.2054G>A (p.Gly685Asp)

Gene: NPHS1 (NPHS1 adhesion molecule, nephrin; minus strand). Cytogenetic location: 19q13.12.
Variant type: single nucleotide variant.
Coding change: c.2054G>A on transcript NM_004646.4 (MANE Select); coding-DNA position 2054, G replaced by A.
Protein change: p.Gly685Asp; replaces glycine 685 with aspartic acid.
Molecular consequence: missense variant.
Genome position (GRCh38, 1-based): chr19:35,844,336, C>T on the plus strand (G>A on the coding strand, the complement: NPHS1 is on the minus strand). VCF-style: chr19-35844336-C-T. GRCh37 (hg19) VCF-style: chr19-36335238-C-T.
Other names: short protein forms G685D.
Identifiers: ClinVar variation 586181 (VCV000586181.3), dbSNP rs1161340572, ClinGen allele CA405397738.